The following is an entry in ClinVar:

ClinVar aggregate classification (germline): Uncertain significance (1 of 4 stars; one submission).

Submission:

Labcorp Genetics (formerly Invitae), Labcorp
Classification: Uncertain significance. Last evaluated: 2026-01-19. Review status: criteria provided, single submitter. Criteria: Invitae Variant Classification Sherloc (09022015). Collection method: clinical testing. Allele origin: germline.
Comment: This sequence change falls in intron 3 of the MSH3 gene. It does not directly change the encoded amino acid sequence of the MSH3 protein. It affects a nucleotide within the consensus splice site. This variant is not present in population databases (gnomAD no frequency). This variant has not been reported in the literature in individuals affected with MSH3-related conditions. ClinVar contains an entry for this variant (Variation ID: 3636585). Variants that disrupt the consensus splice site are a relatively common cause of aberrant splicing (PMID: 17576681, 9536098). Algorithms developed to predict the effect of sequence changes on RNA splicing suggest that this variant is not likely to affect RNA splicing. In summary, the available evidence is currently insufficient to determine the role of this variant in disease. Therefore, it has been classified as a Variant of Uncertain Significance.

Literature cited by the submitters: PubMed 17576681; PubMed 9536098.

NM_002439.5(MSH3):c.579+3A>G

Gene: MSH3 (mutS homolog 3; plus strand). Cytogenetic location: 5q14.1.
Variant type: single nucleotide variant.
Coding change: c.579+3A>G on transcript NM_002439.5 (MANE Select); 3 bases into the intron after coding-DNA position 579, A replaced by G.
Molecular consequence: intron variant.
Genome position (GRCh38, 1-based): chr5:80,665,366, A>G. VCF-style: chr5-80665366-A-G. GRCh37 (hg19) VCF-style: chr5-79961185-A-G.
Identifiers: ClinVar variation 3636585 (VCV003636585.2).